The following is an entry in ClinVar:

ClinVar aggregate classification (germline): Uncertain significance. Review status: criteria provided, multiple submitters, no conflicts (2 of 4 stars). 4 submissions from 4 submitters: Uncertain significance (4). Last evaluated 2025-03-22.

Conditions:
Bronchiectasis with or without elevated sweat chloride 1 (BESC1). Also called: Cystic Fibrosis-Like Syndrome. Identifiers: Orphanet 60033, MedGen C2749757, MONDO:0008887, OMIM 211400.
Liddle syndrome 1 (LIDLS1). Also called: PSEUDOALDOSTERONISM. Identifiers: Orphanet 526, MedGen CN031472, MONDO:0020607, OMIM 177200.
Pseudohypoaldosteronism, type IB2, autosomal recessive (PHA1B2). Identifiers: MedGen C5774255, MONDO:0859317, OMIM 620125.
Inborn genetic diseases. Identifiers: MedGen C0950123, MeSH D030342.

Allele frequency attached by ClinVar (database versions not stated): TOPMed 0.00004; gnomAD 0.00005; gnomAD exomes 0.00006; ExAC 0.00007; ESP Exome Variant Server 0.00008.
gnomAD v4.1: 102 of 1,613,994 alleles (0.0063%); highest among the groups gnomAD compares: East Asian, 0.013%; no homozygotes.

Submissions (5):

Ambry Genetics
Classification: Uncertain significance for Inborn genetic diseases. Last evaluated: 2025-03-22. Review status: criteria provided, single submitter. Criteria: Ambry Variant Classification Scheme 2023. Collection method: clinical testing. Allele origin: germline.

Labcorp Genetics (formerly Invitae), Labcorp
Classification: Uncertain significance. Last evaluated: 2025-01-12. Review status: criteria provided, single submitter. Criteria: Invitae Variant Classification Sherloc (09022015). Collection method: clinical testing. Allele origin: germline.
Comment: This sequence change replaces glycine, which is neutral and non-polar, with arginine, which is basic and polar, at codon 188 of the SCNN1B protein (p.Gly188Arg). This variant is present in population databases (rs368632136, gnomAD 0.04%). This variant has not been reported in the literature in individuals affected with SCNN1B-related conditions. ClinVar contains an entry for this variant (Variation ID: 2321462). An algorithm developed to predict the effect of missense changes on protein structure and function outputs the following: PolyPhen-2: "Benign". The arginine amino acid residue is found in multiple mammalian species, which suggests that this missense change does not adversely affect protein function. In summary, the available evidence is currently insufficient to determine the role of this variant in disease. Therefore, it has been classified as a Variant of Uncertain Significance.

Revvity Omics, Revvity
Classification: Uncertain significance. Last evaluated: 2024-09-03. Review status: criteria provided, single submitter. Criteria: ACMG Guidelines, 2015. Collection method: clinical testing. Allele origin: germline.

Fulgent Genetics
Classification: Uncertain significance for Liddle syndrome 1; Bronchiectasis with or without elevated sweat chloride 1; Pseudohypoaldosteronism, type IB2, autosomal recessive. Last evaluated: 2024-03-06. Review status: criteria provided, single submitter. Criteria: ACMG Guidelines, 2015. Collection method: clinical testing. Allele origin: germline.

Dr. Peter K. Rogan Lab, Western University
No classification provided (evidence only). Condition: Cervical cancer. Review status: no classification provided. Collection method: in vitro. Allele origin: not applicable. Functional consequence: retained intron. Not counted in ClinVar's aggregate classification.

NM_000336.3(SCNN1B):c.562G>A (p.Gly188Arg)

Gene: SCNN1B (sodium channel epithelial 1 subunit beta; plus strand). Cytogenetic location: 16p12.2.
Variant type: single nucleotide variant.
Coding change: c.562G>A on transcript NM_000336.3 (MANE Select); coding-DNA position 562, G replaced by A.
Protein change: p.Gly188Arg; replaces glycine 188 with arginine.
Molecular consequence: missense variant.
Genome position (GRCh38, 1-based): chr16:23,353,051, G>A. VCF-style: chr16-23353051-G-A. GRCh37 (hg19) VCF-style: chr16-23364372-G-A.
Other names: c.562G>A, p.Gly188Arg (NM_001410900.1); short protein forms G188R.
Identifiers: ClinVar variation 2321462 (VCV002321462.9), dbSNP rs368632136, ClinGen allele CA7960173.